The following is an entry in ClinVar:

ClinVar aggregate classification (germline): Uncertain significance (1 of 4 stars; one submission).

Submission:

GeneDx
Classification: Uncertain significance. Last evaluated: 2024-05-10. Review status: criteria provided, single submitter. Criteria: GeneDx Variant Classification Process June 2021. Collection method: clinical testing. Allele origin: germline. Affected: yes.
Comment: Not observed at significant frequency in large population cohorts (gnomAD); In silico analysis supports that this missense variant has a deleterious effect on protein structure/function; Has not been previously published as pathogenic or benign to our knowledge

NM_021224.6(ZNF462):c.6119T>C (p.Leu2040Ser)

Gene: ZNF462 (zinc finger protein 462; plus strand). Cytogenetic location: 9q31.2.
Variant type: single nucleotide variant.
Coding change: c.6119T>C on transcript NM_021224.6 (MANE Select); coding-DNA position 6119, T replaced by C.
Protein change: p.Leu2040Ser; replaces leucine 2040 with serine.
Molecular consequence: missense variant.
Genome position (GRCh38, 1-based): chr9:106,935,505, T>C. VCF-style: chr9-106935505-T-C. GRCh37 (hg19) VCF-style: chr9-109697786-T-C.
Other names: c.3524T>C, p.Leu1175Ser (NM_001347997.2); short protein forms L1175S, L2040S.
Identifiers: ClinVar variation 3375711 (VCV003375711.1).
Genomic context (GRCh38, chr9:106,935,505, plus strand): 5'-ATCCTCTATGCAATTTTTAATTTTGTCATTTTTCTTTTTGTTTTCCTTCTACATCAAGTT[T>C]GGATCGCCATATGCAAACCCACCACGGACACCATAAACCATTCCGATGCAAACTCTGCTC-3'
Protein context (NP_067047.4, residues 2030-2050): CSFVSAFRHN[Leu2040Ser]DRHMQTHHGH